The following is an entry in ClinVar:

NM_000384.3(APOB):c.8944A>C (p.Asn2982His)

Gene: APOB (apolipoprotein B; minus strand). Cytogenetic location: 2p24.1.
Variant type: single nucleotide variant.
Coding change: c.8944A>C on transcript NM_000384.3 (MANE Select); coding-DNA position 8944, A replaced by C.
Protein change: p.Asn2982His; replaces asparagine 2982 with histidine.
Molecular consequence: missense variant.
Genome position (GRCh38, 1-based): chr2:21,007,924, T>G on the plus strand (A>C on the coding strand, the complement: APOB is on the minus strand). VCF-style: chr2-21007924-T-G. GRCh37 (hg19) VCF-style: chr2-21230796-T-G.
Other names: c.8944A>C (NM_000384.2); short protein forms N2982H.
Identifiers: ClinVar variation 2954477 (VCV002954477.4), dbSNP rs1460637587, ClinGen allele CA345992867.

ClinVar aggregate classification (germline): Conflicting classifications of pathogenicity. Review status: criteria provided, conflicting classifications (1 of 4 stars). 2 submissions from 2 submitters: Uncertain significance (1); Likely benign (1). Last evaluated 2026-07-02.

Conditions:
Familial hypobetalipoproteinemia 1. Also called: APOB-Related Familial Hypobetalipoproteinemia; Hypobetalipoproteinemia, normotriglyceridemic; Acanthocytosis with hypobetalipoproteinemia. Identifiers: MedGen C4551990, MONDO:0014252, OMIM 615558.
Hypercholesterolemia, autosomal dominant, type B (FHCL2). Also called: Familial hypercholesterolemia 2; Hyperlipoproteinemia Type IIb; Familial Hypercholesterolemia Type B; APOB-Related Familial Hypercholesterolemia, Autosomal Dominant; APOLIPOPROTEIN B-100, FAMILIAL DEFECTIVE; APOLIPOPROTEIN B-100, FAMILIAL LIGAND-DEFECTIVE. Identifiers: MedGen C1704417, MONDO:0007751, OMIM 144010.
Cardiovascular phenotype. Identifiers: MedGen CN230736.

Allele frequency attached by ClinVar (database versions not stated): gnomAD 0.00001.
gnomAD v4.1: 1 of 1,613,960 alleles (0.000062%); highest among the groups gnomAD compares: East Asian, 0.0022%; no homozygotes.

Submissions (2):

Ambry Genetics
Classification: Uncertain significance for Cardiovascular phenotype. Last evaluated: 2026-07-02. Review status: criteria provided, single submitter. Criteria: Ambry Variant Classification Scheme 2023. Collection method: clinical testing. Allele origin: germline.
Comment: The p.N2982H variant (also known as c.8944A>C), located in coding exon 26 of the APOB gene, results from an A to C substitution at nucleotide position 8944. The asparagine at codon 2982 is replaced by histidine, an amino acid with similar properties. This amino acid position is conserved. In addition, this alteration is predicted to be tolerated by in silico analysis. Based on the available evidence, the clinical significance of this variant remains unclear.

Labcorp Genetics (formerly Invitae), Labcorp
Classification: Likely benign for Familial hypobetalipoproteinemia 1; Hypercholesterolemia, autosomal dominant, type B. Last evaluated: 2023-12-15. Review status: criteria provided, single submitter. Criteria: Invitae Variant Classification Sherloc (09022015). Collection method: clinical testing. Allele origin: germline.